The following is an entry in ClinVar:

NM_183357.3(ADCY5):c.2360T>C (p.Ile787Thr)

Gene: ADCY5 (adenylate cyclase 5; minus strand). Cytogenetic location: 3q21.1.
Variant type: single nucleotide variant.
Coding change: c.2360T>C on transcript NM_183357.3 (MANE Select); coding-DNA position 2360, T replaced by C.
Protein change: p.Ile787Thr; replaces isoleucine 787 with threonine.
Molecular consequence: missense variant.
Genome position (GRCh38, 1-based): chr3:123,314,317, A>G on the plus strand (T>C on the coding strand, the complement: ADCY5 is on the minus strand). VCF-style: chr3-123314317-A-G. GRCh37 (hg19) VCF-style: chr3-123033164-A-G.
Other names: c.1310T>C, p.Ile437Thr (NM_001199642.1); c.2360T>C, p.Ile787Thr (NM_001378259.1); short protein forms I437T, I787T.
Identifiers: ClinVar variation 1471079 (VCV001471079.8), dbSNP rs2108316988, ClinGen allele CA354217313.

ClinVar aggregate classification (germline): Uncertain significance (1 of 4 stars; one submission).

Submission:

Labcorp Genetics (formerly Invitae), Labcorp
Classification: Uncertain significance. Last evaluated: 2022-11-08. Review status: criteria provided, single submitter. Criteria: Invitae Variant Classification Sherloc (09022015). Collection method: clinical testing. Allele origin: germline.
Comment: This variant is not present in population databases (gnomAD no frequency). This sequence change replaces isoleucine, which is neutral and non-polar, with threonine, which is neutral and polar, at codon 787 of the ADCY5 protein (p.Ile787Thr). This variant has not been reported in the literature in individuals affected with ADCY5-related conditions. In summary, the available evidence is currently insufficient to determine the role of this variant in disease. Therefore, it has been classified as a Variant of Uncertain Significance. Advanced modeling of protein sequence and biophysical properties (such as structural, functional, and spatial information, amino acid conservation, physicochemical variation, residue mobility, and thermodynamic stability) performed at Invitae indicates that this missense variant is not expected to disrupt ADCY5 protein function. ClinVar contains an entry for this variant (Variation ID: 1471079).